The following is an entry in ClinVar:

ClinVar aggregate classification (germline): Likely pathogenic. Review status: criteria provided, single submitter (1 of 4 stars). 2 submissions from 2 submitters: Likely pathogenic (1). 1 of the submissions does not count toward it. Last evaluated 2025-12-05.

Conditions:
Biotinidase deficiency. Also called: BTD deficiency; Late-onset biotin-responsive multiple carboxylase deficiency; Biotin deficiency. Identifiers: Orphanet 79241, MedGen C0220754, MONDO:0009665, OMIM 253260.

Allele frequency attached by ClinVar (database versions not stated): gnomAD exomes below 0.00001 and 0.00001.
gnomAD v4.1: 3 of 1,614,204 alleles (0.00019%); highest among the groups gnomAD compares: South Asian, 0.0011%; no homozygotes.

Submissions (2):

Women's Health and Genetics/Laboratory Corporation of America, LabCorp
Classification: Likely pathogenic for Biotinidase deficiency. Last evaluated: 2025-12-05. Review status: criteria provided, single submitter. Criteria: LabCorp Variant Classification Summary - May 2015. Collection method: clinical testing. Allele origin: germline.
Comment: Variant summary: BTD c.1328G>A (p.Cys443Tyr) results in a non-conservative amino acid change in the encoded protein sequence. Algorithms developed to predict the effect of missense changes on protein structure and function are either unavailable or do not agree on the potential impact of this missense change. The variant allele was found at a frequency of 4e-06 in 251424 control chromosomes. c.1328G>A has been observed in the compound heterozygous state together with a pathogenic variant in an individual affected with Biotinidase Deficiency (Wolf_2002). This individual had <1% of normal biotinidase enzyme activity, suggesting that the variant severely impacts protein function (Wolf_2002). The following publications have been ascertained in the context of this evaluation (PMID: 20556795, 12359137). ClinVar contains an entry for this variant (Variation ID: 25087). Based on the evidence outlined above, the variant was classified as likely pathogenic.

Counsyl
Classification: Uncertain significance for Biotinidase deficiency. Last evaluated: 2017-12-04. Review status: no assertion criteria provided. Collection method: clinical testing. Allele origin: unknown. Not counted in ClinVar's aggregate classification.

Literature cited by the submitters: PubMed 12359137 (cited by Women's Health and Genetics/Laboratory Corporation of America, LabCorp and Counsyl); PubMed 20556795 (cited by Women's Health and Genetics/Laboratory Corporation of America, LabCorp).

NM_001370658.1(BTD):c.1328G>A (p.Cys443Tyr)

Gene: BTD (biotinidase; plus strand). Cytogenetic location: 3p25.1.
Variant type: single nucleotide variant.
Coding change: c.1328G>A on transcript NM_001370658.1 (MANE Select); coding-DNA position 1328, G replaced by A.
Protein change: p.Cys443Tyr; replaces cysteine 443 with tyrosine.
Molecular consequence: missense variant. On other transcripts: intron variant (2).
Genome position (GRCh38, 1-based): chr3:15,645,244, G>A. VCF-style: chr3-15645244-G-A. GRCh37 (hg19) VCF-style: chr3-15686751-G-A.
Other names: c.1388G>A, p.Cys463Tyr (NM_000060.4); c.1328G>A, p.Cys443Tyr (NM_001281723.4, NM_001281724.3, NM_001281725.3 and 16 more transcripts); c.1015+313G>A (NM_001370752.1); c.399+3187G>A (NM_001370753.1); short protein forms C443Y.
Identifiers: ClinVar variation 25087 (VCV000025087.5), dbSNP rs397514421, ClinGen allele CA278338.